The following is an entry in ClinVar:

NM_000135.4(FANCA):c.1513T>A (p.Ser505Thr)

Gene: FANCA (FA complementation group A; minus strand). Cytogenetic location: 16q24.3.
Variant type: single nucleotide variant.
Coding change: c.1513T>A on transcript NM_000135.4 (MANE Select); coding-DNA position 1513, T replaced by A.
Protein change: p.Ser505Thr; replaces serine 505 with threonine.
Molecular consequence: missense variant.
Genome position (GRCh38, 1-based): chr16:89,783,060, A>T on the plus strand (T>A on the coding strand, the complement: FANCA is on the minus strand). VCF-style: chr16-89783060-A-T. GRCh37 (hg19) VCF-style: chr16-89849468-A-T.
Other names: c.1513T>A, p.Ser505Thr (NM_001286167.3); short protein forms S505T.
Identifiers: ClinVar variation 4824585 (VCV004824585.1).

ClinVar aggregate classification (germline): Uncertain significance (1 of 4 stars; one submission).

Conditions:
Inborn genetic diseases. Identifiers: MedGen C0950123, MeSH D030342.

Submission:

Ambry Genetics
Classification: Uncertain significance for Inborn genetic diseases. Last evaluated: 2026-01-20. Review status: criteria provided, single submitter. Criteria: Ambry Variant Classification Scheme 2023. Collection method: clinical testing. Allele origin: germline.
Comment: The p.S505T variant (also known as c.1513T>A), located in coding exon 16 of the FANCA gene, results from a T to A substitution at nucleotide position 1513. The serine at codon 505 is replaced by threonine, an amino acid with similar properties. This amino acid position is conserved. In addition, this alteration is predicted to be tolerated by in silico analysis. Based on the available evidence, the clinical significance of this variant remains unclear.